The following is an entry in ClinVar:

NM_032119.4(ADGRV1):c.22+9T>C

Genes: ADGRV1 (adhesion G protein-coupled receptor V1; plus strand), LOC129994205 (ATAC-STARR-seq lymphoblastoid silent region 16170; plus strand). Cytogenetic location: 5q14.3.
Variant type: single nucleotide variant.
Coding change: c.22+9T>C on transcript NM_032119.4 (MANE Select); 9 bases into the intron after coding-DNA position 22, T replaced by C.
Molecular consequence: intron variant.
Genome position (GRCh38, 1-based): chr5:90,558,926, T>C. VCF-style: chr5-90558926-T-C. GRCh37 (hg19) VCF-style: chr5-89854743-T-C.
Identifiers: ClinVar variation 193464 (VCV000193464.35), dbSNP rs368604803, ClinGen allele CA200598.

ClinVar aggregate classification (germline): Benign/Likely benign. Review status: criteria provided, multiple submitters, no conflicts (2 of 4 stars). 9 submissions from 9 submitters: Benign (3); Likely benign (4). 2 of the submissions do not count toward it. Last evaluated 2026-09-22.

Conditions:
ADGRV1-related disorder. Also called: ADGRV1-related condition; ADGRV1-related disorders.

Allele frequency attached by ClinVar (database versions not stated): gnomAD exomes 0.00025 and 0.00058; ExAC 0.00120; 1000 Genomes Project 0.00200; 1000 Genomes Project 30x 0.00219; gnomAD 0.00224 and 0.00236; ESP Exome Variant Server 0.00231; TOPMed 0.00252.
gnomAD v4.1: 718 of 1,555,924 alleles (0.046%); highest among the groups gnomAD compares: African/African-American, 0.7%; 3 homozygotes.

Submissions (9):

PreventionGenetics, part of Exact Sciences
Classification: Benign for ADGRV1-related condition. Last evaluated: 2026-09-22. Review status: criteria provided, single submitter. Criteria: ACMG Guidelines, 2015. Collection method: clinical testing. Allele origin: germline.
Comment: This variant is classified as benign based on ACMG/AMP sequence variant interpretation guidelines (Richards et al. 2015 PMID: 25741868, with internal and published modifications).

Labcorp Genetics (formerly Invitae), Labcorp
Classification: Benign. Last evaluated: 2026-01-20. Review status: criteria provided, single submitter. Criteria: Invitae Variant Classification Sherloc (09022015). Collection method: clinical testing. Allele origin: germline.

Blueprint Genetics
Classification: Likely benign. Last evaluated: 2024-10-09. Review status: criteria provided, single submitter. Criteria: ACMG Guidelines, 2015. Collection method: clinical testing. Allele origin: germline.

ARUP Laboratories, Molecular Genetics and Genomics, ARUP Laboratories
Classification: Benign. Last evaluated: 2020-01-05. Review status: criteria provided, single submitter. Criteria: ARUP Molecular Germline Variant Investigation Process. Collection method: clinical testing. Allele origin: germline.

Athena Diagnostics
Classification: Likely benign. Last evaluated: 2018-01-24. Review status: criteria provided, single submitter. Criteria: Athena Diagnostics Criteria. Collection method: clinical testing. Allele origin: germline.

Eurofins Ntd Llc (ga)
Classification: Likely benign. Last evaluated: 2015-06-04. Review status: criteria provided, single submitter. Criteria: EGL Classification Definitions 2015. Collection method: clinical testing. Allele origin: germline. Observed: 1 variant allele, 1 heterozygote.

Laboratory for Molecular Medicine, Mass General Brigham Personalized Medicine
Classification: Likely benign. Last evaluated: 2012-04-30. Review status: criteria provided, single submitter. Criteria: LMM Criteria. Collection method: clinical testing. Allele origin: germline. Observed: 3 variant alleles.
Comment: c.22+9T>C in intron 01 of GPR98: This variant is not expected to have clinical s ignificance because it is not located within the conserved splice consensus sequ ence and has been identified in 0.9% (18/2005) of African American chromosomes b y the Exome Aggregation Consortium (ExAC; dbSNP rs368604803).

Clinical Genetics DNA and cytogenetics Diagnostics Lab, Erasmus MC, Erasmus Medical Center
Classification: Likely benign. Review status: no assertion criteria provided. Collection method: clinical testing. Allele origin: germline. Affected: yes. Study: VKGL Data-share Consensus. Not counted in ClinVar's aggregate classification.

Clinical Genetics, Academic Medical Center
Classification: Benign. Review status: no assertion criteria provided. Collection method: clinical testing. Allele origin: germline. Affected: yes. Study: VKGL Data-share Consensus. Not counted in ClinVar's aggregate classification.